The following is an entry in ClinVar:

ClinVar aggregate classification (germline): Uncertain significance (1 of 4 stars; one submission).

Conditions:
Nephronophthisis. Also called: Juvenile Nephronophthisis. Identifiers: Orphanet 655, MedGen C0687120, MONDO:0019005, HP:0000090.

Allele frequency attached by ClinVar (database versions not stated): gnomAD 0.00003; TOPMed 0.00003.
gnomAD v4.1: 12 of 1,614,082 alleles (0.00074%); highest among the groups gnomAD compares: Admixed American, 0.0067%; no homozygotes.

Submission:

Labcorp Genetics (formerly Invitae), Labcorp
Classification: Uncertain significance for Nephronophthisis. Last evaluated: 2022-10-17. Review status: criteria provided, single submitter. Criteria: Invitae Variant Classification Sherloc (09022015). Collection method: clinical testing. Allele origin: germline.
Comment: This sequence change replaces glutamine, which is neutral and polar, with glutamic acid, which is acidic and polar, at codon 561 of the IQCB1 protein (p.Gln561Glu). This variant is present in population databases (no rsID available, gnomAD 0.003%). This variant has not been reported in the literature in individuals affected with IQCB1-related conditions. ClinVar contains an entry for this variant (Variation ID: 1017957). Advanced modeling of protein sequence and biophysical properties (such as structural, functional, and spatial information, amino acid conservation, physicochemical variation, residue mobility, and thermodynamic stability) performed at Invitae indicates that this missense variant is not expected to disrupt IQCB1 protein function. In summary, the available evidence is currently insufficient to determine the role of this variant in disease. Therefore, it has been classified as a Variant of Uncertain Significance.

NM_001023570.4(IQCB1):c.1681C>G (p.Gln561Glu)

Gene: IQCB1 (IQ motif containing B1; minus strand). Cytogenetic location: 3q13.33.
Variant type: single nucleotide variant.
Coding change: c.1681C>G on transcript NM_001023570.4 (MANE Select); coding-DNA position 1681, C replaced by G.
Protein change: p.Gln561Glu; replaces glutamine 561 with glutamic acid.
Molecular consequence: missense variant. On other transcripts: non-coding transcript variant (1).
Genome position (GRCh38, 1-based): chr3:121,770,461, G>C on the plus strand (C>G on the coding strand, the complement: IQCB1 is on the minus strand). VCF-style: chr3-121770461-G-C. GRCh37 (hg19) VCF-style: chr3-121489308-G-C.
Other names: c.1282C>G, p.Gln428Glu (NM_001023571.4); c.1681C>G, p.Gln561Glu (NM_001319107.2); short protein forms Q428E, Q561E.
Identifiers: ClinVar variation 1017957 (VCV001017957.6), dbSNP rs750584360, ClinGen allele CA354108730.